The following is an entry in ClinVar:

NM_021098.3(CACNA1H):c.2730G>C (p.Lys910Asn)

Gene: CACNA1H (calcium voltage-gated channel subunit alpha1 H; plus strand). Cytogenetic location: 16p13.3.
Variant type: single nucleotide variant.
Coding change: c.2730G>C on transcript NM_021098.3 (MANE Select); coding-DNA position 2730, G replaced by C.
Protein change: p.Lys910Asn; replaces lysine 910 with asparagine.
Molecular consequence: missense variant.
Genome position (GRCh38, 1-based): chr16:1,206,230, G>C. VCF-style: chr16-1206230-G-C. GRCh37 (hg19) VCF-style: chr16-1256230-G-C.
Other names: c.2730G>C, p.Lys910Asn (NM_001005407.2); short protein forms K910N.
Identifiers: ClinVar variation 1032112 (VCV001032112.1), dbSNP rs1330732054, ClinGen allele CA394169191.

ClinVar aggregate classification (germline): Uncertain significance (1 of 4 stars; one submission).

Conditions:
Epilepsy, childhood absence, susceptibility to, 6. Identifiers: Orphanet 64280, MedGen C2749872, MONDO:0012763, OMIM 611942.

Allele frequency attached by ClinVar (database versions not stated): TOPMed below 0.00001; gnomAD 0.00001.

Submission:

Baylor Genetics
Classification: Uncertain significance for Epilepsy, childhood absence, susceptibility to, 6. Last evaluated: 2018-07-31. Review status: criteria provided, single submitter. Criteria: ACMG Guidelines, 2015. Collection method: clinical testing. Allele origin: paternal. Affected: yes.
Comment: This variant was determined to be of uncertain significance according to ACMG Guidelines, 2015 [PMID:25741868].